The following is an entry in ClinVar:

NM_001029883.3(PCARE):c.3527A>C (p.Gln1176Pro)

Gene: PCARE (photoreceptor cilium actin regulator; minus strand). Cytogenetic location: 2p23.2.
Variant type: single nucleotide variant.
Coding change: c.3527A>C on transcript NM_001029883.3 (MANE Select); coding-DNA position 3527, A replaced by C.
Protein change: p.Gln1176Pro; replaces glutamine 1176 with proline.
Molecular consequence: missense variant.
Genome position (GRCh38, 1-based): chr2:29,070,735, T>G on the plus strand (A>C on the coding strand, the complement: PCARE is on the minus strand). VCF-style: chr2-29070735-T-G. GRCh37 (hg19) VCF-style: chr2-29293601-T-G.
Other names: short protein forms Q1176P.
Identifiers: ClinVar variation 1375537 (VCV001375537.7), dbSNP rs182812191, ClinGen allele CA346474599.

ClinVar aggregate classification (germline): Uncertain significance. Review status: criteria provided, multiple submitters, no conflicts (2 of 4 stars). 2 submissions from 2 submitters: Uncertain significance (2). Last evaluated 2023-07-21.

gnomAD v4.1: 4 of 1,614,004 alleles (0.00025%); highest among the groups gnomAD compares: Middle Eastern, 0.049%; no homozygotes.

Submissions (2):

Labcorp Genetics (formerly Invitae), Labcorp
Classification: Uncertain significance. Last evaluated: 2023-07-21. Review status: criteria provided, single submitter. Criteria: Invitae Variant Classification Sherloc (09022015). Collection method: clinical testing. Allele origin: germline.
Comment: In summary, the available evidence is currently insufficient to determine the role of this variant in disease. Therefore, it has been classified as a Variant of Uncertain Significance. An algorithm developed to predict the effect of missense changes on protein structure and function (PolyPhen-2) suggests that this variant is likely to be disruptive. ClinVar contains an entry for this variant (Variation ID: 1375537). This variant has not been reported in the literature in individuals affected with PCARE-related conditions. This variant is present in population databases (no rsID available, gnomAD 0.006%). This sequence change replaces glutamine, which is neutral and polar, with proline, which is neutral and non-polar, at codon 1176 of the PCARE protein (p.Gln1176Pro).

Blueprint Genetics
Classification: Uncertain significance. Last evaluated: 2022-09-02. Review status: criteria provided, single submitter. Criteria: ACMG Guidelines, 2015. Collection method: clinical testing. Allele origin: germline.